The following is an entry in ClinVar:

ClinVar aggregate classification (germline): Uncertain significance (1 of 4 stars; one submission).

gnomAD v4.1: 1 of 1,614,002 alleles (0.000062%); highest among the groups gnomAD compares: African/African-American, 0.0013%; no homozygotes.

Submission:

GeneDx
Classification: Uncertain significance. Last evaluated: 2026-03-28. Review status: criteria provided, single submitter. Criteria: GeneDx Variant Classification Process June 2021. Collection method: clinical testing. Allele origin: germline.
Comment: Not observed at significant frequency in large population cohorts (gnomAD); In silico analysis supports that this missense variant has a deleterious effect on protein structure/function; Has not been previously published as pathogenic or benign to our knowledge

NM_001148.6(ANK2):c.11633C>T (p.Pro3878Leu)

Gene: ANK2 (ankyrin 2; plus strand). Cytogenetic location: 4q26.
Variant type: single nucleotide variant.
Coding change: c.11633C>T on transcript NM_001148.6 (MANE Select); coding-DNA position 11633, C replaced by T.
Protein change: p.Pro3878Leu; replaces proline 3878 with leucine.
Molecular consequence: missense variant. On other transcripts: intron variant (1).
Genome position (GRCh38, 1-based): chr4:113,373,112, C>T. VCF-style: chr4-113373112-C-T. GRCh37 (hg19) VCF-style: chr4-114294268-C-T.
Other names: c.4994C>T, p.Pro1665Leu (NM_001354277.2, NM_001386157.1); c.2906C>T, p.Pro969Leu (NM_001354278.2, NM_001354281.2); c.2942C>T, p.Pro981Leu (NM_001354279.2, NM_001354282.2); c.2927C>T, p.Pro976Leu (NM_001354280.2); c.11399C>T, p.Pro3800Leu (NM_001386142.1); c.5408C>T, p.Pro1803Leu (NM_001386143.1, NM_001354243.2); c.5516C>T, p.Pro1839Leu (NM_001386144.1); c.5252C>T, p.Pro1751Leu (NM_001386146.1, NM_001386150.1); and 44 more; short protein forms P1632L, P1665L, P1693L, P1698L, P1706L, P1715L, P1718L, P1720L.
Identifiers: ClinVar variation 5017583 (VCV005017583.1).